The following is an entry in ClinVar:

ClinVar aggregate classification (germline): Benign/Likely benign. Review status: criteria provided, multiple submitters, no conflicts (2 of 4 stars). 3 submissions from 3 submitters: Benign (1); Likely benign (1). 1 of the submissions does not count toward it. Last evaluated 2024-02-01.

Conditions:
NRP1-related disorder. Also called: NRP1-related condition.

Allele frequency attached by ClinVar (database versions not stated): gnomAD 0.00079 and 0.00082; TOPMed 0.00082; gnomAD exomes 0.00083 and 0.00124; ExAC 0.00086; ESP Exome Variant Server 0.00115.
gnomAD v4.1: 1,894 of 1,599,308 alleles (0.12%); highest among the groups gnomAD compares: Non-Finnish European, 0.14%; 2 homozygotes.

Submissions (3):

CeGaT Center for Human Genetics Tuebingen
Classification: Benign. Last evaluated: 2024-02-01. Review status: criteria provided, single submitter. Criteria: CeGaT Center For Human Genetics Tuebingen Variant Classification Criteria Version 2. Collection method: clinical testing. Allele origin: germline. Affected: yes. Observed: 2 variant alleles.
Comment: NRP1: BP4, BS1, BS2

Labcorp Genetics (formerly Invitae), Labcorp
Classification: Likely benign. Last evaluated: 2018-08-22. Review status: criteria provided, single submitter. Criteria: Invitae Variant Classification Sherloc (09022015). Collection method: clinical testing. Allele origin: germline.

PreventionGenetics, part of Exact Sciences
Classification: Likely benign for NRP1-related condition. Last evaluated: 2021-11-08. Review status: no assertion criteria provided. Collection method: clinical testing. Allele origin: germline. Not counted in ClinVar's aggregate classification.
Comment: This variant is classified as likely benign based on ACMG/AMP sequence variant interpretation guidelines (Richards et al. 2015 PMID: 25741868, with internal and published modifications).

NM_003873.7(NRP1):c.2500G>A (p.Glu834Lys)

Gene: NRP1 (neuropilin 1; minus strand). Cytogenetic location: 10p11.22.
Variant type: single nucleotide variant.
Coding change: c.2500G>A on transcript NM_003873.7 (MANE Select); coding-DNA position 2500, G replaced by A.
Protein change: p.Glu834Lys; replaces glutamic acid 834 with lysine.
Molecular consequence: missense variant. On other transcripts: non-coding transcript variant (1).
Genome position (GRCh38, 1-based): chr10:33,180,348, C>T on the plus strand (G>A on the coding strand, the complement: NRP1 is on the minus strand). VCF-style: chr10-33180348-C-T. GRCh37 (hg19) VCF-style: chr10-33469276-C-T.
Other names: c.2482G>A, p.Glu828Lys (NM_001244972.2); c.2479G>A, p.Glu827Lys (NM_001244973.2); c.2449G>A, p.Glu817Lys (NM_001330068.2); short protein forms E817K, E828K, E827K, E834K.
Identifiers: ClinVar variation 726098 (VCV000726098.27), dbSNP rs150351789, ClinGen allele CA5466147.